The following is an entry in ClinVar:

ClinVar aggregate classification (germline): Likely benign. Review status: criteria provided, multiple submitters, no conflicts (2 of 4 stars). 4 submissions from 4 submitters: Likely benign (4). Last evaluated 2024-10-17.

Conditions:
Spinocerebellar ataxia type 11 (SCA11). Identifiers: Orphanet 98767, MedGen C1858351, MONDO:0011464, OMIM 604432.

Allele frequency attached by ClinVar (database versions not stated): TOPMed 0.00013.
gnomAD v4.1: 152 of 1,614,010 alleles (0.0094%); highest among the groups gnomAD compares: Admixed American, 0.16%; no homozygotes.

Submissions (4):

Labcorp Genetics (formerly Invitae), Labcorp
Classification: Likely benign. Last evaluated: 2024-10-17. Review status: criteria provided, single submitter. Criteria: Invitae Variant Classification Sherloc (09022015). Collection method: clinical testing. Allele origin: germline.

Athena Diagnostics
Classification: Likely benign. Last evaluated: 2019-03-04. Review status: criteria provided, single submitter. Criteria: Athena Diagnostics Criteria. Collection method: clinical testing. Allele origin: germline.

Illumina Laboratory Services, Illumina
Classification: Likely benign for Spinocerebellar ataxia type 11. Last evaluated: 2018-01-13. Review status: criteria provided, single submitter. Criteria: ICSL Variant Classification Criteria 13 December 2019. Collection method: clinical testing. Allele origin: germline.
Comment: This variant was observed in the ICSL laboratory as part of a predisposition screen in an ostensibly healthy population. It had not been previously curated by ICSL or reported in the Human Gene Mutation Database (HGMD: prior to June 1st, 2018), and was therefore a candidate for classification through an automated scoring system. Utilizing variant allele frequency, disease prevalence and penetrance estimates, and inheritance mode, an automated score was calculated to assess if this variant is too frequent to cause the disease. Based on the score and internal cut-off values, a variant classified as likely benign is not then subjected to further curation. The score for this variant resulted in a classification of likely benign for this disease.

Breakthrough Genomics
Classification: Likely benign. Review status: criteria provided, single submitter. Criteria: ACMG Guidelines, 2015. Collection method: not provided. Allele origin: germline. Inheritance: Autosomal dominant inheritance. Affected: yes.

NM_173500.4(TTBK2):c.2980G>T (p.Asp994Tyr)

Gene: TTBK2 (tau tubulin kinase 2; minus strand). Cytogenetic location: 15q15.2.
Variant type: single nucleotide variant.
Coding change: c.2980G>T on transcript NM_173500.4 (MANE Select); coding-DNA position 2980, G replaced by T.
Protein change: p.Asp994Tyr; replaces aspartic acid 994 with tyrosine.
Molecular consequence: missense variant.
Genome position (GRCh38, 1-based): chr15:42,752,266, C>A on the plus strand (G>T on the coding strand, the complement: TTBK2 is on the minus strand). VCF-style: chr15-42752266-C-A. GRCh37 (hg19) VCF-style: chr15-43044464-C-A.
Other names: short protein forms D994Y.
Identifiers: ClinVar variation 805621 (VCV000805621.9), dbSNP rs377620628, ClinGen allele CA7516658.